The following is an entry in ClinVar:

ClinVar aggregate classification (germline): Pathogenic. Review status: criteria provided, multiple submitters, no conflicts (2 of 4 stars). 2 submissions from 2 submitters: Pathogenic (2). Last evaluated 2022-12-16.

Conditions:
Duchenne muscular dystrophy (DMD). Also called: MUSCULAR DYSTROPHY, PSEUDOHYPERTROPHIC PROGRESSIVE, DUCHENNE TYPE; Duchenne Muscular Dystrophy (DMD). Identifiers: Orphanet 98896, MedGen C0013264, MONDO:0010679, OMIM 310200.

Submissions (2):

Laboratory of Medical Genetics, National & Kapodistrian University of Athens
Classification: Pathogenic for Duchenne muscular dystrophy. Last evaluated: 2022-12-16. Review status: criteria provided, single submitter. Criteria: ACMG Guidelines, 2015. Collection method: clinical testing. Allele origin: germline. Affected: yes.
Comment: PVS1, PM2, PP5

Eurofins Ntd Llc (ga)
Classification: Pathogenic. Last evaluated: 2017-02-07. Review status: criteria provided, single submitter. Criteria: EGL Classification Definitions 2015. Collection method: clinical testing. Allele origin: germline. Observed: 1 variant allele, 1 hemizygote.

NM_004006.3(DMD):c.4290_4291del (p.His1430fs)

Gene: DMD (dystrophin; minus strand). Cytogenetic location: Xp21.1.
Variant type: Deletion.
Coding change: c.4290_4291del on transcript NM_004006.3 (MANE Select); coding-DNA positions 4290 to 4291, 2 bases deleted (TA; older notation c.4290_4291delTA).
Protein change: p.His1430fs; shifts the reading frame from histidine 1430.
Molecular consequence: frameshift variant.
Genome position (GRCh38, 1-based): chrX:32,390,124-32,390,125, TA deleted on the plus strand (TA on the coding strand, the reverse complement: DMD is on the minus strand); deleting any 2 consecutive bases within chrX:32,390,124-32,390,126 gives the same sequence; the c. name uses the placement nearest the transcript's 3' end. VCF-style (leftmost placement, unchanged base first): chrX-32390123-TTA-T. GRCh37 (hg19) VCF-style: chrX-32408240-TTA-T.
Other names: c.4266_4267del, p.His1422fs (NM_000109.4); c.4278_4279del, p.His1426fs (NM_004009.3); c.3921_3922del, p.His1307fs (NM_004010.3); c.267_268del, p.His89fs (NM_004011.4); c.258_259del, p.His86fs (NM_004012.4); c.4290_4291delTA (NM_004006.3); short protein forms H1422fs, H1426fs, H1430fs, H86fs, H1307fs, H89fs.
Identifiers: ClinVar variation 500046 (VCV000500046.6), dbSNP rs1557322838, ClinGen allele CA658799660.
Genomic context (GRCh38, chrX:32,390,123, plus strand): 5'-ACATATACCTGTGCAACATCAATCTGAGACAGGACTCTTTGGGCAGCCTCCTTCCCCTGA[TTA>T]TGTTTCTTCATTTCTTCTAAACTGATCTCATGACTTGTCAAATCAGATTGGATTTTCTGT-3'